The following is an entry in ClinVar:

ClinVar aggregate classification (germline): Conflicting classifications of pathogenicity. Review status: criteria provided, conflicting classifications (1 of 4 stars). 3 submissions from 3 submitters: Pathogenic (1); Likely pathogenic (1); Uncertain significance (1). Last evaluated 2025-04-14.

Conditions:
Spermatogenic failure 18. Identifiers: MedGen C4539783, MONDO:0054615, OMIM 617576.
Ciliary dyskinesia, primary, 37 (CILD37). Also called: CILIARY DYSKINESIA, PRIMARY, 37, WITH OR WITHOUT SITUS INVERSUS. Identifiers: MedGen C4539798, MONDO:0033204, OMIM 617577.

Allele frequency attached by ClinVar (database versions not stated): gnomAD exomes 0.00001; ExAC 0.00002; gnomAD 0.00002.

Submissions (3):

First Genomix Gene Laboratory, Genetic Diagnostics Department
Classification: Likely pathogenic for Ciliary dyskinesia, primary, 37; Spermatogenic failure 18. Last evaluated: 2025-04-14. Review status: criteria provided, single submitter. Criteria: ACMG Guidelines, 2015. Collection method: clinical testing. Allele origin: germline. Inheritance: Autosomal recessive inheritance. Affected: no. Observed: 1 variant allele.

GeneDx
Classification: Uncertain significance. Last evaluated: 2024-01-09. Review status: criteria provided, single submitter. Criteria: GeneDx Variant Classification Process June 2021. Collection method: clinical testing. Allele origin: germline. Affected: yes.
Comment: Frameshift variant predicted to result in protein truncation or nonsense mediated decay in a gene for which loss of function is a known mechanism of disease; Has not been previously published as pathogenic or benign to our knowledge

Foundation for Research in Genetics and Endocrinology, FRIGE's Institute of Human Genetics
Classification: Pathogenic for Spermatogenic failure 18. Review status: criteria provided, single submitter. Criteria: ACMG Guidelines, 2015. Collection method: clinical testing. Allele origin: germline. Inheritance: Autosomal recessive inheritance. Affected: yes. Observed: 1 heterozygote.
Comment: A heterozygous 1bp deletion in exon 55 of the DNAH1 gene that results in a frameshift and premature truncation of the protein 46 amino acids downstream to codon 2890 was observed. The variant has not been reported in the 1000 genomes database and has a MAF of 0.001% in the gnomAD database. The in silico prediction of the variant is damaging by MutationTaster2 and reference region is conserved across species. In summary, the variant meets our criteria to be classified as pathogenic.

NM_015512.5(DNAH1):c.8668del (p.Thr2890fs)

Gene: DNAH1 (dynein axonemal heavy chain 1; plus strand). Cytogenetic location: 3p21.1.
Variant type: Deletion.
Coding change: c.8668del on transcript NM_015512.5 (MANE Select); coding-DNA position 8668, one base deleted (A; older notation c.8668delA).
Protein change: p.Thr2890fs; shifts the reading frame from threonine 2890.
Molecular consequence: frameshift variant.
Genome position (GRCh38, 1-based): chr3:52,386,202, A deleted. VCF-style (leftmost placement, unchanged base first): chr3-52386201-GA-G. GRCh37 (hg19) VCF-style: chr3-52420217-GA-G.
Other names: p.Thr2890GlnfsTer46; c.8668delA (NM_015512.5); c.8668del (NM_015512.4); short protein forms T2890fs.
Identifiers: ClinVar variation 2443313 (VCV002443313.3), dbSNP rs775449348, ClinGen allele CA2435292.